The following is an entry in ClinVar:

ClinVar aggregate classification (germline): Uncertain significance (1 of 4 stars; one submission).

Conditions:
Oligodontia-cancer predisposition syndrome. Also called: TOOTH AGENESIS-COLORECTAL CANCER SYNDROME. Identifiers: Orphanet 300576, MedGen C1837750, MONDO:0012075, OMIM 608615. Disease mechanism: loss of function.

Submission:

Labcorp Genetics (formerly Invitae), Labcorp
Classification: Uncertain significance for Oligodontia-cancer predisposition syndrome. Last evaluated: 2025-07-22. Review status: criteria provided, single submitter. Criteria: Invitae Variant Classification Sherloc (09022015). Collection method: clinical testing. Allele origin: germline.
Comment: This sequence change falls in intron 6 of the AXIN2 gene. It does not directly change the encoded amino acid sequence of the AXIN2 protein. This variant is not present in population databases (gnomAD no frequency). This variant has not been reported in the literature in individuals affected with AXIN2-related conditions. Algorithms developed to predict the effect of sequence changes on RNA splicing suggest that this variant may disrupt the consensus splice site. In summary, the available evidence is currently insufficient to determine the role of this variant in disease. Therefore, it has been classified as a Variant of Uncertain Significance.

NM_004655.4(AXIN2):c.1713-11dup

Gene: AXIN2 (axin 2; minus strand). Cytogenetic location: 17q24.1.
Variant type: Duplication.
Coding change: c.1713-11dup on transcript NM_004655.4 (MANE Select); 11 bases into the intron before coding-DNA position 1713, one base duplicated (G; older notation c.1713-11dupG).
Molecular consequence: intron variant.
Genome position (GRCh38, 1-based): chr17:65,537,074, C duplicated on the plus strand (G on the coding strand, the reverse complement: AXIN2 is on the minus strand); the first of 2 consecutive C bases (chr17:65,537,074-65,537,075); duplicating either gives the same sequence. VCF-style (leftmost placement, unchanged base first): chr17-65537073-A-AC. GRCh37 (hg19) VCF-style: chr17-63533191-A-AC.
Other names: c.1712+250dup (NM_001363813.1).
Identifiers: ClinVar variation 4721198 (VCV004721198.1).
Genomic context (GRCh38, chr17:65,537,073, plus strand): 5'-GGCTCCGTGCCTTTCCCATTGCGTTTGGGCAAGGTACTGCCTCTGCTGCCGCTGTGGGGA[A>AC]CCAAGAACCACACCCAACCCAGAGACCCGGTTAAATCTCCGGGACTCCTAGAATCAGACA-3'